The following is an entry in ClinVar:

NM_001003841.3(SLC6A19):c.823G>C (p.Val275Leu)

Gene: SLC6A19 (solute carrier family 6 member 19; plus strand). Cytogenetic location: 5p15.33.
Variant type: single nucleotide variant.
Coding change: c.823G>C on transcript NM_001003841.3 (MANE Select); coding-DNA position 823, G replaced by C.
Protein change: p.Val275Leu; replaces valine 275 with leucine.
Molecular consequence: missense variant.
Genome position (GRCh38, 1-based): chr5:1,214,001, G>C. VCF-style: chr5-1214001-G-C. GRCh37 (hg19) VCF-style: chr5-1214116-G-C.
Other names: short protein forms V275L.
Identifiers: ClinVar variation 2152749 (VCV002152749.3), dbSNP rs746472432, ClinGen allele CA3182912.

ClinVar aggregate classification (germline): Uncertain significance (1 of 4 stars; one submission).

Allele frequency attached by ClinVar (database versions not stated): gnomAD 0.00001; TOPMed 0.00001.
gnomAD v4.1: 25 of 1,613,592 alleles (0.0015%); highest among the groups gnomAD compares: Non-Finnish European, 0.0021%; no homozygotes.

Submission:

Labcorp Genetics (formerly Invitae), Labcorp
Classification: Uncertain significance. Last evaluated: 2022-03-04. Review status: criteria provided, single submitter. Criteria: Invitae Variant Classification Sherloc (09022015). Collection method: clinical testing. Allele origin: germline.
Comment: In summary, the available evidence is currently insufficient to determine the role of this variant in disease. Therefore, it has been classified as a Variant of Uncertain Significance. Advanced modeling of protein sequence and biophysical properties (such as structural, functional, and spatial information, amino acid conservation, physicochemical variation, residue mobility, and thermodynamic stability) performed at Invitae indicates that this missense variant is expected to disrupt SLC6A19 protein function. This variant has not been reported in the literature in individuals affected with SLC6A19-related conditions. This variant is present in population databases (rs746472432, gnomAD 0.0009%). This sequence change replaces valine, which is neutral and non-polar, with leucine, which is neutral and non-polar, at codon 275 of the SLC6A19 protein (p.Val275Leu).